The following is an entry in ClinVar:

NM_006648.4(WNK2):c.2081C>T (p.Ser694Phe)

Gene: WNK2 (WNK lysine deficient protein kinase 2; plus strand). Cytogenetic location: 9q22.31.
Variant type: single nucleotide variant.
Coding change: c.2081C>T on transcript NM_006648.4 (MANE Select); coding-DNA position 2081, C replaced by T.
Protein change: p.Ser694Phe; replaces serine 694 with phenylalanine.
Molecular consequence: missense variant.
Genome position (GRCh38, 1-based): chr9:93,256,345, C>T. VCF-style: chr9-93256345-C-T. GRCh37 (hg19) VCF-style: chr9-96018627-C-T.
Other names: c.2081C>T, p.Ser694Phe (NM_001282394.3); short protein forms S694F.
Identifiers: ClinVar variation 5031794 (VCV005031794.1).
Genomic context (GRCh38, chr9:93,256,345, plus strand): 5'-GGTGCTCTCTGCAGCCTGGCTTGCCGGTGGGCTCTGTCCCGGCCCCCGCCTGCCCTCCGT[C>T]CCTCCAGCAGCACTTCCCGGATCCGGCCATGAGCTTCGCCCCCGTGCTGCCGCCGCCCAG-3'
Protein context (NP_006639.3, residues 684-704): GSVPAPACPP[Ser694Phe]LQQHFPDPAM

ClinVar aggregate classification (germline): Uncertain significance (1 of 4 stars; one submission).

gnomAD v4.1: 4 of 1,585,326 alleles (0.00025%); highest among the groups gnomAD compares: East Asian, 0.0045%; no homozygotes.

Submission:

Ambry Genetics
Classification: Uncertain significance. Last evaluated: 2026-06-19. Review status: criteria provided, single submitter. Criteria: Ambry Variant Classification Scheme 2023. Collection method: clinical testing. Allele origin: germline.
Comment: The p.S694F variant (also known as c.2081C>T), located in coding exon 9 of the WNK2 gene, results from a C to T substitution at nucleotide position 2081. The serine at codon 694 is replaced by phenylalanine, an amino acid with highly dissimilar properties. This amino acid position is conserved. In addition, this alteration is predicted to be tolerated by in silico analysis. Based on the available evidence, the clinical significance of this variant remains unclear.